The following is an entry in ClinVar:

ClinVar aggregate classification (germline): Likely pathogenic (1 of 4 stars; one submission).

Conditions:
Intellectual developmental disorder, autosomal dominant 43. Also called: Intellectual disability, autosomal dominant 43. Identifiers: MedGen C4707429, MONDO:0014858, OMIM 616977.

Submission:

Center for Human Genetics and Genomic Medicine, Uniklinik Rwth Aachen
Classification: Likely pathogenic for Intellectual developmental disorder, autosomal dominant 43. Last evaluated: 2026-07-27. Review status: criteria provided, single submitter. Criteria: ACMG Guidelines, 2015. Collection method: clinical testing. Allele origin: de novo. Inheritance: Autosomal dominant inheritance. Affected: yes. Observed: 1 variant allele, 1 heterozygote.
Comment: The variant is absent from large population databases (PM2_sup). The variant has occured de novo (maternity and paternity confirmed) (PS2). Truncating variants in HIVEP2 are known to be pathogenic; in the affected exon 10 several truncating variants have previously been reported (PVS1_strong).

NM_006734.4(HIVEP2):c.6676dup (p.Ile2226fs)

Gene: HIVEP2 (HIVEP zinc finger 2; minus strand). Cytogenetic location: 6q24.2.
Variant type: Duplication.
Coding change: c.6676dup on transcript NM_006734.4 (MANE Select); coding-DNA position 6676, one base duplicated (A; older notation c.6676dupA).
Protein change: p.Ile2226fs; shifts the reading frame from isoleucine 2226.
Molecular consequence: frameshift variant.
Genome position (GRCh38, 1-based): chr6:142,753,772, T duplicated on the plus strand (A on the coding strand, the reverse complement: HIVEP2 is on the minus strand). VCF-style (leftmost placement, unchanged base first): chr6-142753771-A-AT. GRCh37 (hg19) VCF-style: chr6-143074908-A-AT.
Other names: c.6676dup, p.Ile2226fs (NM_001438449.1, NM_001438450.1, NM_001438451.1); short protein forms I2226fs.
Identifiers: ClinVar variation 4884718 (VCV004884718.1).